The following is an entry in ClinVar:

NM_000458.4(HNF1B):c.809+4A>C

Genes: HNF1B (HNF1 homeobox B; minus strand), LOC126862549 (BRD4-independent group 4 enhancer GRCh37_chr17:36093401-36094600; plus strand). Cytogenetic location: 17q12.
Variant type: single nucleotide variant.
Coding change: c.809+4A>C on transcript NM_000458.4 (MANE Select); 4 bases into the intron after coding-DNA position 809, A replaced by C.
Molecular consequence: intron variant.
Genome position (GRCh38, 1-based): chr17:37,733,553, T>G on the plus strand (A>C on the coding strand, the complement: HNF1B is on the minus strand). VCF-style: chr17-37733553-T-G. GRCh37 (hg19) VCF-style: chr17-36093546-T-G.
Other names: c.731+4A>C (NM_001304286.2, NM_001165923.4); c.809+4A>C (NM_001411100.1).
Identifiers: ClinVar variation 4998694 (VCV004998694.1).

ClinVar aggregate classification (germline): Uncertain significance (1 of 4 stars; one submission).

Conditions:
HNF1B-related disorder. Also called: HNF1B-related condition; HNF1B-related disorders.

gnomAD v4.1: 2 of 1,614,166 alleles (0.00012%); highest among the groups gnomAD compares: Admixed American, 0.0033%; no homozygotes.

Submission:

PreventionGenetics, part of Exact Sciences
Classification: Uncertain significance for HNF1B-related condition. Last evaluated: 2025-05-28. Review status: criteria provided, single submitter. Criteria: ACMG Guidelines, 2015. Collection method: clinical testing. Allele origin: germline.
Comment: The HNF1B c.809+4A>C variant is predicted to interfere with splicing. To our knowledge, this variant has not been reported in the literature. This variant is reported in 0.0058% of alleles in individuals of Latino descent in gnomAD. At this time, the clinical significance of this variant is uncertain due to the absence of conclusive functional and genetic evidence.